The following is an entry in ClinVar:

ClinVar aggregate classification (germline): Uncertain significance (1 of 4 stars; one submission).

Conditions:
3-methylglutaconic aciduria, type VIIB (MGCA7B). Also called: 3-methylglutaconic aciduria with cataracts, neurologic involvement and neutropenia; 3-methylglutaconic aciduria, type VII, with cataracts, neurologic involvement and neutropenia; CLPB Deficiency. Identifiers: Orphanet 445038, MedGen C5676893, MONDO:0014561, OMIM 616271.

Submission:

Labcorp Genetics (formerly Invitae), Labcorp
Classification: Uncertain significance for 3-methylglutaconic aciduria, type VIIB. Last evaluated: 2026-01-28. Review status: criteria provided, single submitter. Criteria: Invitae Variant Classification Sherloc (09022015). Collection method: clinical testing. Allele origin: germline.
Comment: This sequence change replaces proline, which is neutral and non-polar, with leucine, which is neutral and non-polar, at codon 193 of the CLPB protein (p.Pro193Leu). This variant is not present in population databases (gnomAD no frequency). This variant has not been reported in the literature in individuals affected with CLPB-related conditions. ClinVar contains an entry for this variant (Variation ID: 1513971). An algorithm developed to predict the effect of missense changes on protein structure and function (PolyPhen-2) suggests that this variant is likely to be disruptive. In summary, the available evidence is currently insufficient to determine the role of this variant in disease. Therefore, it has been classified as a Variant of Uncertain Significance.

NM_001258392.3(CLPB):c.578C>T (p.Pro193Leu)

Gene: CLPB (ClpB family mitochondrial disaggregase; minus strand). Cytogenetic location: 11q13.4.
Variant type: single nucleotide variant.
Coding change: c.578C>T on transcript NM_001258392.3 (MANE Select); coding-DNA position 578, C replaced by T.
Protein change: p.Pro193Leu; replaces proline 193 with leucine.
Molecular consequence: missense variant.
Genome position (GRCh38, 1-based): chr11:72,380,349, G>A on the plus strand (C>T on the coding strand, the complement: CLPB is on the minus strand). VCF-style: chr11-72380349-G-A. GRCh37 (hg19) VCF-style: chr11-72091393-G-A.
Other names: c.491C>T, p.Pro164Leu (NM_001258393.3); c.443C>T, p.Pro148Leu (NM_001258394.3); c.578C>T, p.Pro193Leu (NM_030813.6); short protein forms P193L, P164L, P148L.
Identifiers: ClinVar variation 1513971 (VCV001513971.8), dbSNP rs2135677270, ClinGen allele CA381963475.